The following is an entry in ClinVar:

NM_001130987.2(DYSF):c.1276_1276+7del

Gene: DYSF (dysferlin; plus strand). Cytogenetic location: 2p13.2.
Variant type: Deletion.
Coding change: c.1276_1276+7del on transcript NM_001130987.2 (MANE Select); coding-DNA position 1276 through 7 bases into the intron after coding-DNA position 1276, 8 bases deleted (AGTGCGTG; older notation c.1276_1276+7delAGTGCGTG).
Molecular consequence: splice donor variant.
Genome position (GRCh38, 1-based): chr2:71,526,346-71,526,353, AGTGCGTG deleted; deleting any 8 consecutive bases within chr2:71,526,345-71,526,353 gives the same sequence; the c. name uses the placement nearest the transcript's 3' end. VCF-style (leftmost placement, unchanged base first): chr2-71526344-AGAGTGCGT-A. GRCh37 (hg19) VCF-style: chr2-71753474-AGAGTGCGT-A.
Other names: c.1273_1273+7del (NM_001130979.2, NM_001130981.2, NM_001130980.2); c.1180_1180+7del (NM_001130978.2, NM_003494.4, NM_001130977.2 and 1 more transcripts); c.1276_1276+7del (NM_001130982.2, NM_001130985.2); c.1183_1183+7del (NM_001130983.2, NM_001130455.2, NM_001130984.2 and 1 more transcripts).
Identifiers: ClinVar variation 1069589 (VCV001069589.9), dbSNP rs2152748721, ClinGen allele CA1139532909.
Genomic context (GRCh38, chr2:71,526,344, plus strand): 5'-GCGTAGCCCTGCGAGGAGCCCACTTCTGCCTGAAGGTCTTCCGGGCCGAGGACTTGCCGC[AGAGTGCGT>A]GGGGCGCGCCCTTGGGTGGGAGGTCTGCAGGAGGCTGGAGGCGCAGGGCTGGTGGGGGTG-3'

ClinVar aggregate classification (germline): Pathogenic. Review status: criteria provided, multiple submitters, no conflicts (2 of 4 stars). 3 submissions from 3 submitters: Pathogenic (3). Last evaluated 2025-10-27.

Conditions:
Neuromuscular disease caused by qualitative or quantitative defects of dysferlin. Also called: Qualitative or quantitative defects of dysferlin; Dysferlinopathy. Identifiers: Orphanet 207073, MedGen C2931687, MONDO:0016145.
Autosomal recessive limb-girdle muscular dystrophy. Identifiers: Orphanet 102015, MedGen C2931907, MONDO:0015152.

Submissions (3):

Myriad Genetics, Inc.
Classification: Pathogenic for Autosomal recessive limb-girdle muscular dystrophy. Last evaluated: 2025-10-27. Review status: criteria provided, single submitter. Criteria: Myriad Autosomal Dominant, Autosomal Recessive and X-Linked Classification Criteria (2023). Collection method: clinical testing. Allele origin: unknown.
Comment: NM_003494.3(DYSF):c.1180_1180+7del8 is a variant in a canonical splice site classified as pathogenic in the context of dysferlinopathy. c.1180_1180+7del8 has been observed in cases with relevant disease (PMID: 21392994). Relevant functional assessments of this variant are available in the literature (PMID: 21392994). c.1180_1180+7del8 has not been observed in referenced population frequency databases. In summary, NM_003494.3(DYSF):c.1180_1180+7del8 is a variant in a canonical splice site in a gene where loss of function is a known mechanism of disease, is predicted to disrupt protein function, and has been observed more frequently in cases with the relevant disease than in healthy populations. Please note: this variant was assessed in the context of healthy population screening.

Revvity Omics, Revvity
Classification: Pathogenic. Last evaluated: 2025-05-09. Review status: criteria provided, single submitter. Criteria: ACMG Guidelines, 2015. Collection method: clinical testing. Allele origin: germline.

Labcorp Genetics (formerly Invitae), Labcorp
Classification: Pathogenic for Neuromuscular disease caused by qualitative or quantitative defects of dysferlin. Last evaluated: 2024-04-29. Review status: criteria provided, single submitter. Criteria: Invitae Variant Classification Sherloc (09022015). Collection method: clinical testing. Allele origin: germline.
Comment: This variant results in the deletion of part of exon 12 (c.1180_1180+7del) of the DYSF gene. RNA analysis indicates that this variant induces altered splicing and likely results in a shortened protein product. This variant is not present in population databases (gnomAD no frequency). This variant has been observed in individual(s) with limb-girdle muscular dystrophy and Miyoshi myopathy (PMID: 21392994). ClinVar contains an entry for this variant (Variation ID: 1069589). Studies have shown that this variant results in skipping of exons 12-13, but is expected to preserve the integrity of the reading-frame (PMID: 21392994). For these reasons, this variant has been classified as Pathogenic.

Literature cited by the submitters: PubMed 21392994 (cited by Myriad Genetics, Inc. and Labcorp Genetics (formerly Invitae), Labcorp).